The following is an entry in ClinVar:

NM_001080414.4(CCDC88C):c.5950C>T (p.Arg1984Trp)

Gene: CCDC88C (coiled-coil domain containing 88C; minus strand). Cytogenetic location: 14q32.11.
Variant type: single nucleotide variant.
Coding change: c.5950C>T on transcript NM_001080414.4 (MANE Select); coding-DNA position 5950, C replaced by T.
Protein change: p.Arg1984Trp; replaces arginine 1984 with tryptophan.
Molecular consequence: missense variant.
Genome position (GRCh38, 1-based): chr14:91,272,762, G>A on the plus strand (C>T on the coding strand, the complement: CCDC88C is on the minus strand). VCF-style: chr14-91272762-G-A. GRCh37 (hg19) VCF-style: chr14-91739106-G-A.
Other names: c.5950C>T (NM_001080414.3); short protein forms R1984W.
Identifiers: ClinVar variation 1902924 (VCV001902924.3), dbSNP rs1468647317, ClinGen allele CA390608235.
Genomic context (GRCh38, chr14:91,272,762, plus strand): 5'-CGCTCCCTCGACTGCAGTCCTCCAGGGCCCGGCCGAGGTGGGGAGCCAAATCGGGAGACC[G>A]ACCTGGGCTCTTGGCCGGAAGCCCCTCACTGCAGCCCTGCCCCGGGACCCCGTCTCCCTC-3'
Protein context (NP_001073883.2, residues 1974-1994): SEGLPAKSPG[Arg1984Trp]SPDLAPHLGR

ClinVar aggregate classification (germline): Uncertain significance. Review status: criteria provided, multiple submitters, no conflicts (2 of 4 stars). 2 submissions from 2 submitters: Uncertain significance (2). Last evaluated 2025-02-19.

Conditions:
Inborn genetic diseases. Identifiers: MedGen C0950123, MeSH D030342.

Allele frequency attached by ClinVar (database versions not stated): gnomAD 0.00002; TOPMed 0.00002.
gnomAD v4.1: 32 of 1,607,852 alleles (0.002%); highest among the groups gnomAD compares: South Asian, 0.0077%; no homozygotes.

Submissions (2):

Ambry Genetics
Classification: Uncertain significance for Inborn genetic diseases. Last evaluated: 2025-02-19. Review status: criteria provided, single submitter. Criteria: Ambry Variant Classification Scheme 2023. Collection method: clinical testing. Allele origin: germline.

Labcorp Genetics (formerly Invitae), Labcorp
Classification: Uncertain significance. Last evaluated: 2022-03-24. Review status: criteria provided, single submitter. Criteria: Invitae Variant Classification Sherloc (09022015). Collection method: clinical testing. Allele origin: germline.
Comment: This sequence change replaces arginine, which is basic and polar, with tryptophan, which is neutral and slightly polar, at codon 1984 of the CCDC88C protein (p.Arg1984Trp). This variant is present in population databases (no rsID available, gnomAD 0.007%). This variant has not been reported in the literature in individuals affected with CCDC88C-related conditions. Algorithms developed to predict the effect of missense changes on protein structure and function output the following: SIFT: "Deleterious"; PolyPhen-2: "Benign"; Align-GVGD: "Class C0". The tryptophan amino acid residue is found in multiple mammalian species, which suggests that this missense change does not adversely affect protein function. In summary, the available evidence is currently insufficient to determine the role of this variant in disease. Therefore, it has been classified as a Variant of Uncertain Significance.